The following is an entry in ClinVar:

NM_007363.5(NONO):c.1237C>T (p.Pro413Ser)

Gene: NONO (non-POU domain containing octamer binding; plus strand). Cytogenetic location: Xq13.1.
Variant type: single nucleotide variant.
Coding change: c.1237C>T on transcript NM_007363.5 (MANE Select); coding-DNA position 1237, C replaced by T.
Protein change: p.Pro413Ser; replaces proline 413 with serine.
Molecular consequence: missense variant.
Genome position (GRCh38, 1-based): chrX:71,298,772, C>T. VCF-style: chrX-71298772-C-T. GRCh37 (hg19) VCF-style: chrX-70518622-C-T.
Other names: c.1237C>T, p.Pro413Ser (NM_001145408.2, NM_001145409.2); c.970C>T, p.Pro324Ser (NM_001145410.2); short protein forms P324S, P413S.
Identifiers: ClinVar variation 2579382 (VCV002579382.1), dbSNP rs2519896681, ClinGen allele CA413549243.

ClinVar aggregate classification (germline): Uncertain significance (1 of 4 stars; one submission).

Submission:

GeneDx
Classification: Uncertain significance. Last evaluated: 2023-03-06. Review status: criteria provided, single submitter. Criteria: GeneDx Variant Classification Process June 2021. Collection method: clinical testing. Allele origin: germline. Affected: yes.
Comment: Not observed at significant frequency in large population cohorts (gnomAD); In silico analysis supports that this missense variant does not alter protein structure/function; Has not been previously published as pathogenic or benign to our knowledge